The following is an entry in ClinVar:

ClinVar aggregate classification (germline): Uncertain significance. Review status: criteria provided, multiple submitters, no conflicts (2 of 4 stars). 2 submissions from 2 submitters: Uncertain significance (2). Last evaluated 2025-10-07.

Conditions:
Inborn genetic diseases. Identifiers: MedGen C0950123, MeSH D030342.
Hereditary spastic paraplegia 3A (SPG3A). Also called: SPASTIC PARAPLEGIA 3, AUTOSOMAL DOMINANT; FAMILIAL SPASTIC PARAPLEGIA, AUTOSOMAL DOMINANT, 1; SPG3; STRUMPELL DISEASE; Spastic Paraplegia 3A; Spastic paraplegia 3A, autosomal dominant. Identifiers: Orphanet 100984, MedGen C2931355, MONDO:0008437, OMIM 182600.

Allele frequency attached by ClinVar (database versions not stated): gnomAD 0.00001 and 0.00003; gnomAD exomes 0.00001 and 0.00002; ExAC 0.00002; TOPMed 0.00003; ESP Exome Variant Server 0.00008.
gnomAD v4.1: 22 of 1,614,066 alleles (0.0014%); highest among the groups gnomAD compares: Middle Eastern, 0.016%; no homozygotes.

Submissions (2):

Ambry Genetics
Classification: Uncertain significance for Inborn genetic diseases. Last evaluated: 2025-10-07. Review status: criteria provided, single submitter. Criteria: Ambry Variant Classification Scheme 2023. Collection method: clinical testing. Allele origin: germline.

Labcorp Genetics (formerly Invitae), Labcorp
Classification: Uncertain significance for Hereditary spastic paraplegia 3A. Last evaluated: 2023-10-03. Review status: criteria provided, single submitter. Criteria: Invitae Variant Classification Sherloc (09022015). Collection method: clinical testing. Allele origin: germline.
Comment: This sequence change replaces isoleucine, which is neutral and non-polar, with valine, which is neutral and non-polar, at codon 472 of the ATL1 protein (p.Ile472Val). This variant is present in population databases (rs374047535, gnomAD 0.005%). This variant has not been reported in the literature in individuals affected with ATL1-related conditions. ClinVar contains an entry for this variant (Variation ID: 654145). Advanced modeling of protein sequence and biophysical properties (such as structural, functional, and spatial information, amino acid conservation, physicochemical variation, residue mobility, and thermodynamic stability) performed at Invitae indicates that this missense variant is not expected to disrupt ATL1 protein function. In summary, the available evidence is currently insufficient to determine the role of this variant in disease. Therefore, it has been classified as a Variant of Uncertain Significance.

NM_015915.5(ATL1):c.1414A>G (p.Ile472Val)

Gene: ATL1 (atlastin GTPase 1; plus strand). Cytogenetic location: 14q22.1.
Variant type: single nucleotide variant.
Coding change: c.1414A>G on transcript NM_015915.5 (MANE Select); coding-DNA position 1414, A replaced by G.
Protein change: p.Ile472Val; replaces isoleucine 472 with valine.
Molecular consequence: missense variant.
Genome position (GRCh38, 1-based): chr14:50,628,325, A>G. VCF-style: chr14-50628325-A-G. GRCh37 (hg19) VCF-style: chr14-51095043-A-G.
Other names: c.1414A>G, p.Ile472Val (NM_001127713.1, NM_181598.4); short protein forms I472V.
Identifiers: ClinVar variation 654145 (VCV000654145.11), dbSNP rs374047535, ClinGen allele CA7180476.